The following is an entry in ClinVar:

NM_000535.7(PMS2):c.930C>T (p.Tyr310=)

Gene: PMS2 (PMS1 homolog 2, mismatch repair system component; minus strand). Cytogenetic location: 7p22.1.
Variant type: single nucleotide variant.
Coding change: c.930C>T on transcript NM_000535.7 (MANE Select); coding-DNA position 930, C replaced by T.
Protein change: p.Tyr310=; no amino-acid change (tyrosine 310 retained).
Molecular consequence: synonymous variant. On other transcripts: 5 prime UTR variant (2), non-coding transcript variant (1).
Genome position (GRCh38, 1-based): chr7:5,992,031, G>A on the plus strand (C>T on the coding strand, the complement: PMS2 is on the minus strand). VCF-style: chr7-5992031-G-A. GRCh37 (hg19) VCF-style: chr7-6031662-G-A.
Other names: c.525C>T, p.Tyr175= (NM_001322003.2, NM_001322004.2, NM_001322005.2 and 2 more transcripts); c.930C>T, p.Tyr310= (NM_001322006.2, NM_001322014.2); c.612C>T, p.Tyr204= (NM_001322007.2, NM_001322008.2); c.-4C>T (NM_001322011.2, NM_001322012.2); c.357C>T, p.Tyr119= (NM_001322013.2); c.621C>T, p.Tyr207= (NM_001322015.2).
Identifiers: ClinVar variation 525917 (VCV000525917.13), dbSNP rs1405625567, ClinGen allele CA453645313.

ClinVar aggregate classification (germline): Conflicting classifications of pathogenicity. Review status: criteria provided, conflicting classifications (1 of 4 stars). 4 submissions from 4 submitters: Uncertain significance (1); Benign (1); Likely benign (2). Last evaluated 2025-01-29.

Conditions:
Hereditary nonpolyposis colorectal neoplasms. Identifiers: MedGen C0009405, MeSH D003123.
Lynch syndrome 4 (LYNCH4). Also called: Colorectal cancer, hereditary nonpolyposis, type 4; Hereditary non-polyposis colorectal cancer, type 4. Identifiers: Orphanet 144, MedGen C1838333, MONDO:0013699, OMIM 614337. Disease mechanism: loss of function.
Hereditary cancer-predisposing syndrome. Also called: Neoplastic Syndromes, Hereditary; Tumor predisposition; Hereditary Cancer Syndrome; Hereditary neoplastic syndrome. Identifiers: Orphanet 140162, MedGen C0027672, MeSH D009386, MONDO:0015356.
Lynch syndrome. Identifiers: Orphanet 144, MedGen C4552100, MONDO:0005835. Disease mechanism: loss of function.

Allele frequency attached by ClinVar (database versions not stated): gnomAD exomes 0.00001.
gnomAD v4.1: 7 of 1,597,918 alleles (0.00044%); highest among the groups gnomAD compares: Non-Finnish European, 0.0006%; no homozygotes.

Submissions (4):

Myriad Genetics, Inc.
Classification: Benign for Lynch syndrome 4. Last evaluated: 2025-01-29. Review status: criteria provided, single submitter. Criteria: Myriad Autosomal Dominant, Autosomal Recessive and X-Linked Classification Criteria (2023). Collection method: clinical testing. Allele origin: unknown.
Comment: This variant is considered benign. This variant is a silent/synonymous amino acid change and it is not expected to impact splicing.

Labcorp Genetics (formerly Invitae), Labcorp
Classification: Likely benign for Hereditary nonpolyposis colorectal neoplasms. Last evaluated: 2024-09-08. Review status: criteria provided, single submitter. Criteria: Invitae Variant Classification Sherloc (09022015). Collection method: clinical testing. Allele origin: germline.

All of Us Research Program, National Institutes of Health
Classification: Uncertain significance for Lynch syndrome. Last evaluated: 2023-04-10. Review status: criteria provided, single submitter. Criteria: ACMG Guidelines, 2015. Collection method: clinical testing. Allele origin: germline. Inheritance: Autosomal dominant inheritance. Observed: 2 variant alleles, 2 heterozygotes.
Comment: This variant is located in the PMS2 protein. To our knowledge, functional studies have not been reported for this variant. This variant has not been reported in individuals affected with PMS2-related disorders in the literature. This variant has not been identified in the general population by the Genome Aggregation Database (gnomAD). The available evidence is insufficient to determine the role of this variant in disease conclusively. Therefore, this variant is classified as a Variant of Uncertain Significance.

This study involves interpretation of variants in research participants for the purpose of population health screening. Participant phenotype was not available at the time of variant classification. Additional details can be found in publication PMID: 35346344, PMCID: PMC8962531

Ambry Genetics
Classification: Likely benign for Hereditary cancer-predisposing syndrome. Last evaluated: 2019-08-20. Review status: criteria provided, single submitter. Criteria: Ambry Variant Classification Scheme 2023. Collection method: clinical testing. Allele origin: germline.